The following is an entry in ClinVar:

NM_001614.5(ACTG1):c.984+12G>C

Gene: ACTG1 (actin gamma 1; minus strand). Cytogenetic location: 17q25.3.
Variant type: single nucleotide variant.
Coding change: c.984+12G>C on transcript NM_001614.5 (MANE Select); 12 bases into the intron after coding-DNA position 984, G replaced by C.
Molecular consequence: intron variant.
Genome position (GRCh38, 1-based): chr17:81,510,915, C>G on the plus strand (G>C on the coding strand, the complement: ACTG1 is on the minus strand). VCF-style: chr17-81510915-C-G. GRCh37 (hg19) VCF-style: chr17-79477941-C-G.
Other names: c.984+12G>C (NM_001199954.3).
Identifiers: ClinVar variation 3896277 (VCV003896277.2).
Genomic context (GRCh38, chr17:81,510,915, plus strand): 5'-GCTTCAGCTCACAGAGCGCCCCCCAGTCAGCTCTCCCGAGCCAGGCAGAGGGCCACCAAC[C>G]CCTCGACTCACCTTGATCTTCATGGTGCTGGGCGCCAGGGCGGTGATCTCCTTCTGCATC-3'

ClinVar aggregate classification (germline): Likely benign (1 of 4 stars; one submission).

Submission:

Women's Health and Genetics/Laboratory Corporation of America, LabCorp
Classification: Likely benign. Last evaluated: 2025-04-15. Review status: criteria provided, single submitter. Criteria: LabCorp Variant Classification Summary - May 2015. Collection method: clinical testing. Allele origin: germline.
Comment: Variant summary: ACTG1 c.984+12G>C alters a non-conserved nucleotide located at a position not widely known to affect splicing. Consensus agreement among computation tools predict no significant impact on normal splicing. However, these predictions have yet to be confirmed by functional studies. The variant allele was found at a frequency of 1.2e-05 in 251110 control chromosomes. The available data on variant occurrences in the general population are insufficient to allow any conclusion about variant significance. To our knowledge, no occurrence of c.984+12G>C in individuals affected with ACTG1-Related Disorders and no experimental evidence demonstrating its impact on protein function have been reported. No submitters have cited clinical-significance assessments for this variant to ClinVar. Based on the evidence outlined above, the variant was classified as likely benign.